The following is an entry in ClinVar:

NM_000526.5(KRT14):c.819C>T (p.Asp273=)

Gene: KRT14 (keratin 14; minus strand). Cytogenetic location: 17q21.2.
Variant type: single nucleotide variant.
Coding change: c.819C>T on transcript NM_000526.5 (MANE Select); coding-DNA position 819, C replaced by T.
Protein change: p.Asp273=; no amino-acid change (aspartic acid 273 retained).
Molecular consequence: synonymous variant.
Genome position (GRCh38, 1-based): chr17:41,583,868, G>A on the plus strand (C>T on the coding strand, the complement: KRT14 is on the minus strand). VCF-style: chr17-41583868-G-A. GRCh37 (hg19) VCF-style: chr17-39740120-G-A.
Identifiers: ClinVar variation 4978515 (VCV004978515.1).

ClinVar aggregate classification (germline): Likely benign (1 of 4 stars; one submission).

Conditions:
KRT14-related disorder. Also called: KRT14-related condition.

Submission:

PreventionGenetics, part of Exact Sciences
Classification: Likely benign for KRT14-related condition. Last evaluated: 2025-11-19. Review status: criteria provided, single submitter. Criteria: ACMG Guidelines, 2015. Collection method: clinical testing. Allele origin: germline.
Comment: This variant is classified as likely benign based on ACMG/AMP sequence variant interpretation guidelines (Richards et al. 2015 PMID: 25741868, with internal and published modifications).